The following is an entry in ClinVar:

ClinVar aggregate classification (germline): Likely benign (1 of 4 stars; one submission).

Submission:

CeGaT Center for Human Genetics Tuebingen
Classification: Likely benign. Last evaluated: 2026-07-01. Review status: criteria provided, single submitter. Criteria: CeGaT Center For Human Genetics Tuebingen Variant Classification Criteria Version 2. Collection method: clinical testing. Allele origin: germline. Affected: yes. Observed: 1 variant allele.
Comment: ARID2: PM4:Supporting, BS2

NM_152641.4(ARID2):c.3818GAG[1] (p.Gly1274del)

Gene: ARID2 (AT-rich interaction domain 2; plus strand). Cytogenetic location: 12q12.
Variant type: Microsatellite.
Coding change: c.3818GAG[1] on transcript NM_152641.4 (MANE Select); one copy of the 3-base unit GAG starting at c.3818; the reference has two copies in a row; one copy, 3 bases deleted.
Protein change: p.Gly1274del; deletes glycine 1274.
Genome position (GRCh38, 1-based): chr12:45,851,944-45,851,946, GAG deleted; deleting any 3 consecutive bases within chr12:45,851,941-45,851,946 gives the same sequence; the position shown is the placement nearest the transcript's 3' end. VCF-style (leftmost placement, unchanged base first): chr12-45851940-CGAG-C. GRCh37 (hg19) VCF-style: chr12-46245723-CGAG-C.
Other names: c.3818GAG[1], p.Gly1274del (NM_001347839.2); short protein forms G1274del.
Identifiers: ClinVar variation 5038645 (VCV005038645.1).
Genomic context (GRCh38, chr12:45,851,940, plus strand): 5'-GCAACAGGTTTACATGTTCATGAACGTAAAATTGAAGTCATGGAGAACCCGTCCTGCCGA[CGAG>C]GAGCCACAAACACCAGCAATGGGGATACAAAGGAAAATGAAATGCATGTGGGAAGTCTTT-3'